The following is an entry in ClinVar:

ClinVar aggregate classification (germline): Uncertain significance (1 of 4 stars; one submission).

Allele frequency attached by ClinVar (database versions not stated): gnomAD exomes below 0.00001; ExAC 0.00001; gnomAD 0.00001; TOPMed 0.00001.
gnomAD v4.1: 8 of 1,614,052 alleles (0.0005%); highest among the groups gnomAD compares: Non-Finnish European, 0.00068%; no homozygotes.

Submission:

Labcorp Genetics (formerly Invitae), Labcorp
Classification: Uncertain significance. Last evaluated: 2021-01-29. Review status: criteria provided, single submitter. Criteria: Invitae Variant Classification Sherloc (09022015). Collection method: clinical testing. Allele origin: germline.
Comment: Experimental studies and prediction algorithms are not available or were not evaluated, and the functional significance of this variant is currently unknown. This variant has not been reported in the literature in individuals with HTT-related conditions. This variant is present in population databases (rs761971184, ExAC 0.001%). This sequence change replaces alanine with serine at codon 2388 of the HTT protein (p.Ala2388Ser). The alanine residue is moderately conserved and there is a moderate physicochemical difference between alanine and serine. In summary, the available evidence is currently insufficient to determine the role of this variant in disease. Therefore, it has been classified as a Variant of Uncertain Significance.

NM_001388492.1(HTT):c.7156G>T (p.Ala2386Ser)

Gene: HTT (huntingtin; plus strand). Cytogenetic location: 4p16.3.
Variant type: single nucleotide variant.
Coding change: c.7156G>T on transcript NM_001388492.1 (MANE Select); coding-DNA position 7156, G replaced by T.
Protein change: p.Ala2386Ser; replaces alanine 2386 with serine.
Molecular consequence: missense variant.
Genome position (GRCh38, 1-based): chr4:3,217,866, G>T. VCF-style: chr4-3217866-G-T. GRCh37 (hg19) VCF-style: chr4-3219593-G-T.
Other names: c.7162G>T, p.Ala2388Ser (NM_002111.8); short protein forms A2386S, A2388S.
Identifiers: ClinVar variation 1436907 (VCV001436907.6), dbSNP rs761971184, ClinGen allele CA2825259.
Genomic context (GRCh38, chr4:3,217,866, plus strand): 5'-ATGGTGGAGTCTCTGCAGTCGGTGTTGGCCTTGGGTCATAAAAGGAATAGCGGCGTGCCG[G>T]CGTTTCTCACGCCATTGCTAAGGAACATCATCATCAGCCTGGCCCGCCTGCCCCTTGTCA-3'
Protein context (NP_001375421.1, residues 2376-2396): LGHKRNSGVP[Ala2386Ser]FLTPLLRNII